The following is an entry in ClinVar:

NM_000081.4(LYST):c.6459C>T (p.Ser2153=)

Gene: LYST (lysosomal trafficking regulator; minus strand). Cytogenetic location: 1q42.3.
Variant type: single nucleotide variant.
Coding change: c.6459C>T on transcript NM_000081.4 (MANE Select); coding-DNA position 6459, C replaced by T.
Protein change: p.Ser2153=; no amino-acid change (serine 2153 retained).
Molecular consequence: synonymous variant.
Genome position (GRCh38, 1-based): chr1:235,759,394, G>A on the plus strand (C>T on the coding strand, the complement: LYST is on the minus strand). VCF-style: chr1-235759394-G-A. GRCh37 (hg19) VCF-style: chr1-235922694-G-A.
Other names: c.6459C>T, p.Ser2153= (NM_001301365.1).
Identifiers: ClinVar variation 1642517 (VCV001642517.8), dbSNP rs1232612573, ClinGen allele CA424026271.
Genomic context (GRCh38, chr1:235,759,394, plus strand): 5'-AGTTTTTGCAGACTCACAGCTACTGATGAATGCGTCCTCTTTGCCTTTTTTCAGTGTGTC[G>A]GAACTCCCCAAAGAATTTTGTTTCTTTGATTGGGTGGCAACATAAGTATCTGCAATATTT-3'
Protein context (NP_000072.2, residues 2143-2163): QSKKQNSLGS[Ser2153=]DTLKKGKEDA

ClinVar aggregate classification (germline): Likely benign. Review status: criteria provided, multiple submitters, no conflicts (2 of 4 stars). 2 submissions from 2 submitters: Likely benign (2). Last evaluated 2025-11-20.

Conditions:
Chédiak-Higashi syndrome (CHS). Also called: Chediak-Higashi Syndrome. Identifiers: Orphanet 167, MedGen C0007965, MONDO:0008963, OMIM 214500.

Allele frequency attached by ClinVar (database versions not stated): TOPMed below 0.00001; gnomAD exomes 0.00002.
gnomAD v4.1: 33 of 1,614,062 alleles (0.002%); highest among the groups gnomAD compares: African/African-American, 0.0053%; no homozygotes.

Submissions (2):

Labcorp Genetics (formerly Invitae), Labcorp
Classification: Likely benign for Chédiak-Higashi syndrome. Last evaluated: 2025-11-20. Review status: criteria provided, single submitter. Criteria: Invitae Variant Classification Sherloc (09022015). Collection method: clinical testing. Allele origin: germline.

Women's Health and Genetics/Laboratory Corporation of America, LabCorp
Classification: Likely benign. Last evaluated: 2024-09-26. Review status: criteria provided, single submitter. Criteria: LabCorp Variant Classification Summary - May 2015. Collection method: clinical testing. Allele origin: germline.
Comment: Variant summary: LYST c.6459C>T alters a non-conserved nucleotide resulting in a synonymous change. Consensus agreement among computation tools predict no significant impact on normal splicing. However, these predictions have yet to be confirmed by functional studies. The variant allele was found at a frequency of 1.2e-05 in 251186 control chromosomes. The available data on variant occurrences in the general population are insufficient to allow any conclusion about variant significance. To our knowledge, no occurrence of c.6459C>T in individuals affected with Chediak-Higashi Syndrome and no experimental evidence demonstrating its impact on protein function have been reported. ClinVar contains an entry for this variant (Variation ID: 1642517). Based on the evidence outlined above, the variant was classified as likely benign.